The following is an entry in ClinVar:

ClinVar aggregate classification (germline): Pathogenic. Review status: criteria provided, multiple submitters, no conflicts (2 of 4 stars). 4 submissions from 4 submitters: Pathogenic (3). 1 of the submissions does not count toward it. Last evaluated 2026-01-26.

Conditions:
Propionic acidemia (PROP). Also called: GLYCINEMIA, KETOTIC; HYPERGLYCINEMIA WITH KETOACIDOSIS AND LEUKOPENIA; KETOTIC HYPERGLYCINEMIA. Identifiers: Orphanet 35, MedGen C0268579, MONDO:0011628, OMIM 606054, HP:0003571.

Allele frequency attached by ClinVar (database versions not stated): ExAC below 0.00001; gnomAD exomes below 0.00001.

Submissions (4):

Labcorp Genetics (formerly Invitae), Labcorp
Classification: Pathogenic for Propionic acidemia. Last evaluated: 2026-01-26. Review status: criteria provided, single submitter. Criteria: Invitae Variant Classification Sherloc (09022015). Collection method: clinical testing. Allele origin: germline.
Comment: This sequence change creates a premature translational stop signal (p.Gln23Hisfs*2) in the PCCA gene. It is expected to result in an absent or disrupted protein product. Loss-of-function variants in PCCA are known to be pathogenic (PMID: 15464417). This variant is not present in population databases (gnomAD no frequency). This premature translational stop signal has been observed in individual(s) with propionic aciduria (PMID: 27489777). ClinVar contains an entry for this variant (Variation ID: 556623). For these reasons, this variant has been classified as Pathogenic.

Natera, Inc.
Classification: Pathogenic for Propionic acidemia. Last evaluated: 2025-06-23. Review status: criteria provided, single submitter. Criteria: Natera Variant Classification Schema (03/2026). Collection method: clinical testing. Allele origin: germline.
Comment: The c.69_78delGCAGCTGATG variant in PCCA is a frameshift variant predicted to shift the reading frame beginning at codon 23 and leads to a stop codon 2 codons downstream. This variant is expected to result in nonsense mediated decay, truncation, or a dysfunctional protein product. This variant is rare in the general population with a frequency below the threshold expected for the associated phenotype(s). This variant has been observed in one or more individuals affected with the associated recessive disease, as either homozygous or compound heterozygous with a second variant (PMID: 27489777, 33552909). Given the available evidence, this variant is classified as Pathogenic.

Baylor Genetics
Classification: Pathogenic for Propionic acidemia. Last evaluated: 2023-12-26. Review status: criteria provided, single submitter. Criteria: ACMG Guidelines, 2015. Collection method: clinical testing. Allele origin: unknown.

Counsyl
Classification: Likely pathogenic for Propionic acidemia. Last evaluated: 2018-02-15. Review status: no assertion criteria provided. Collection method: clinical testing. Allele origin: unknown. Not counted in ClinVar's aggregate classification.

Literature cited by the submitters: PubMed 15464417 (cited by Labcorp Genetics (formerly Invitae), Labcorp); PubMed 27489777 (cited by 3 submitters); PubMed 33552909 (cited by Natera, Inc.); PubMed 11592820 (cited by Counsyl).

NM_000282.4(PCCA):c.69_78del (p.Gln23fs)

Gene: PCCA (propionyl-CoA carboxylase subunit alpha; plus strand). Cytogenetic location: 13q32.3.
Variant type: Deletion.
Coding change: c.69_78del on transcript NM_000282.4 (MANE Select); coding-DNA positions 69 to 78, 10 bases deleted (GCAGCTGATG; older notation c.69_78delGCAGCTGATG).
Protein change: p.Gln23fs; shifts the reading frame from glutamine 23.
Molecular consequence: frameshift variant. On other transcripts: 5 prime UTR variant (3), non-coding transcript variant (5).
Genome position (GRCh38, 1-based): chr13:100,089,189-100,089,198, GCAGCTGATG deleted. VCF-style (leftmost placement, unchanged base first): chr13-100089188-AGCAGCTGATG-A. GRCh37 (hg19) VCF-style: chr13-100741442-AGCAGCTGATG-A.
Other names: c.69_78delGCAGCTGATG (NM_000282.3); c.69_78del, p.Gln23fs (NM_001127692.3, NM_001178004.2, NM_001352605.2 and 4 more transcripts); c.-798_-789del (NM_001352610.2, NM_001352611.2, NM_001352612.2); short protein forms Q23fs.
Identifiers: ClinVar variation 556623 (VCV000556623.10), dbSNP rs781030239, ClinGen allele CA7033074.